The following is an entry in ClinVar:

NM_024675.4(PALB2):c.2152A>G (p.Arg718Gly)

Gene: PALB2 (partner and localizer of BRCA2; minus strand). Cytogenetic location: 16p12.2.
Variant type: single nucleotide variant.
Coding change: c.2152A>G on transcript NM_024675.4 (MANE Select); coding-DNA position 2152, A replaced by G.
Protein change: p.Arg718Gly; replaces arginine 718 with glycine.
Molecular consequence: missense variant.
Genome position (GRCh38, 1-based): chr16:23,630,002, T>C on the plus strand (A>G on the coding strand, the complement: PALB2 is on the minus strand). VCF-style: chr16-23630002-T-C. GRCh37 (hg19) VCF-style: chr16-23641323-T-C.
Other names: c.364A>G, p.Arg122Gly (NM_001407313.1, NM_001407312.1); c.2092A>G, p.Arg698Gly (NM_001407296.1); c.2152A>G, p.Arg718Gly (NM_001407297.1, NM_001407298.1, NM_001407299.1 and 3 more transcripts); c.1267A>G, p.Arg423Gly (NM_001407304.1, NM_001407305.1, NM_001407306.1 and 5 more transcripts); short protein forms R122G, R423G, R698G, R718G.
Identifiers: ClinVar variation 1786772 (VCV001786772.7), dbSNP rs2142379727, ClinGen allele CA395125691.

ClinVar aggregate classification (germline): Uncertain significance. Review status: criteria provided, multiple submitters, no conflicts (2 of 4 stars). 2 submissions from 2 submitters: Uncertain significance (2). Last evaluated 2022-08-03.

Conditions:
Hereditary cancer-predisposing syndrome. Also called: Neoplastic Syndromes, Hereditary; Tumor predisposition; Hereditary Cancer Syndrome; Hereditary neoplastic syndrome. Identifiers: Orphanet 140162, MedGen C0027672, MeSH D009386, MONDO:0015356.
Familial cancer of breast. Also called: BREAST CANCER, FAMILIAL; Hereditary breast cancer; hereditary breast carcinoma. Identifiers: Orphanet 227535, MedGen C0346153, MONDO:0016419, OMIM 114480. Disease mechanism: loss of function.

Submissions (2):

Labcorp Genetics (formerly Invitae), Labcorp
Classification: Uncertain significance for Familial cancer of breast. Last evaluated: 2022-08-03. Review status: criteria provided, single submitter. Criteria: Invitae Variant Classification Sherloc (09022015). Collection method: clinical testing. Allele origin: germline.
Comment: This sequence change replaces arginine, which is basic and polar, with glycine, which is neutral and non-polar, at codon 718 of the PALB2 protein (p.Arg718Gly). This variant is not present in population databases (gnomAD no frequency). This variant has not been reported in the literature in individuals affected with PALB2-related conditions. Algorithms developed to predict the effect of missense changes on protein structure and function (SIFT, PolyPhen-2, Align-GVGD) all suggest that this variant is likely to be tolerated. In summary, the available evidence is currently insufficient to determine the role of this variant in disease. Therefore, it has been classified as a Variant of Uncertain Significance.

Ambry Genetics
Classification: Uncertain significance for Hereditary cancer-predisposing syndrome. Last evaluated: 2021-07-13. Review status: criteria provided, single submitter. Criteria: Ambry Variant Classification Scheme 2023. Collection method: clinical testing. Allele origin: germline.
Comment: The p.R718G variant (also known as c.2152A>G), located in coding exon 5 of the PALB2 gene, results from an A to G substitution at nucleotide position 2152. The arginine at codon 718 is replaced by glycine, an amino acid with dissimilar properties. This amino acid position is conserved. In addition, this alteration is predicted to be tolerated by in silico analysis. Since supporting evidence is limited at this time, the clinical significance of this alteration remains unclear.